The following is an entry in ClinVar:

ClinVar aggregate classification (germline): Uncertain significance (1 of 4 stars; one submission).

Conditions:
KBG syndrome (KBGS). Also called: ANKRD11-Related KBG Syndrome. Identifiers: Orphanet 2332, MedGen C0220687, MONDO:0007846, OMIM 148050.

Allele frequency attached by ClinVar (database versions not stated): gnomAD exomes below 0.00001 and 0.00001; TOPMed below 0.00001; ExAC 0.00001.
gnomAD v4.1: 14 of 1,613,918 alleles (0.00087%); highest among the groups gnomAD compares: Non-Finnish European, 0.00093%; no homozygotes.

Submission:

Labcorp Genetics (formerly Invitae), Labcorp
Classification: Uncertain significance for KBG syndrome. Last evaluated: 2020-11-27. Review status: criteria provided, single submitter. Criteria: Invitae Variant Classification Sherloc (09022015). Collection method: clinical testing. Allele origin: germline.
Comment: In summary, the available evidence is currently insufficient to determine the role of this variant in disease. Therefore, it has been classified as a Variant of Uncertain Significance. Advanced modeling of protein sequence and biophysical properties (such as structural, functional, and spatial information, amino acid conservation, physicochemical variation, residue mobility, and thermodynamic stability) performed at Invitae indicates that this missense variant is not expected to disrupt ANKRD11 protein function. This variant has not been reported in the literature in individuals with ANKRD11-related conditions. This variant is present in population databases (rs772939645, ExAC 0.002%). This sequence change replaces aspartic acid with glutamic acid at codon 494 of the ANKRD11 protein (p.Asp494Glu). The aspartic acid residue is highly conserved and there is a small physicochemical difference between aspartic acid and glutamic acid.

NM_013275.6(ANKRD11):c.1482C>G (p.Asp494Glu)

Gene: ANKRD11 (ankyrin repeat domain 11; minus strand). Cytogenetic location: 16q24.3.
Variant type: single nucleotide variant.
Coding change: c.1482C>G on transcript NM_013275.6 (MANE Select); coding-DNA position 1482, C replaced by G.
Protein change: p.Asp494Glu; replaces aspartic acid 494 with glutamic acid.
Molecular consequence: missense variant.
Genome position (GRCh38, 1-based): chr16:89,285,060, G>C on the plus strand (C>G on the coding strand, the complement: ANKRD11 is on the minus strand). VCF-style: chr16-89285060-G-C. GRCh37 (hg19) VCF-style: chr16-89351468-G-C.
Other names: c.1482C>G, p.Asp494Glu (NM_001256182.2, NM_001256183.2); short protein forms D494E.
Identifiers: ClinVar variation 1375489 (VCV001375489.8), dbSNP rs772939645, ClinGen allele CA8242763.
Genomic context (GRCh38, chr16:89,285,060, plus strand): 5'-CAGGGAGGGGTCCTTCAGCACCAGCGGGGACCCCTTGAGGCAGCCAGAGCTCCCCAGAGA[G>C]TCCCTGTCATCCTCCCCACTCTCTGAGGACTCGCTCTCCGACTCCGAGGAGCAGAACTTG-3'
Protein context (NP_037407.4, residues 484-504): ESSESGEDDR[Asp494Glu]SLGSSGCLKG